The following is an entry in ClinVar:

NM_001940.4(ATN1):c.2183_2184del (p.Gln728fs)

Gene: ATN1 (atrophin 1; plus strand). Cytogenetic location: 12p13.31.
Variant type: Deletion.
Coding change: c.2183_2184del on transcript NM_001940.4 (MANE Select); coding-DNA positions 2183 to 2184, 2 bases deleted (AG; older notation c.2183_2184delAG).
Protein change: p.Gln728fs; shifts the reading frame from glutamine 728.
Molecular consequence: frameshift variant.
Genome position (GRCh38, 1-based): chr12:6,937,450-6,937,451, AG deleted. VCF-style (leftmost placement, unchanged base first): chr12-6937449-CAG-C. GRCh37 (hg19) VCF-style: chr12-7046612-CAG-C.
Other names: c.2183_2184del, p.Gln728fs (NM_001007026.2, NM_001424176.1, NM_001424177.1 and 1 more transcripts); c.2180_2181del, p.Gln727fs (NM_001424179.1, NM_001424180.1); c.2159_2160del, p.Gln720fs (NM_001424182.1); short protein forms Q720fs, Q727fs, Q728fs.
Identifiers: ClinVar variation 4057129 (VCV004057129.1).

ClinVar aggregate classification (germline): Uncertain significance (1 of 4 stars; one submission).

Submission:

GeneDx
Classification: Uncertain significance. Last evaluated: 2025-01-14. Review status: criteria provided, single submitter. Criteria: GeneDx Variant Classification Process June 2021. Collection method: clinical testing. Allele origin: germline. Affected: yes.
Comment: Not observed at significant frequency in large population cohorts (gnomAD); Frameshift variant predicted to result in protein truncation or nonsense mediated decay in a gene or region of a gene for which loss of function is not a well-established mechanism of disease; Has not been previously published as pathogenic or benign to our knowledge